The following is an entry in ClinVar:

NM_000053.4(ATP7B):c.1862T>C (p.Ile621Thr)

Gene: ATP7B (ATPase copper transporting beta; minus strand). Cytogenetic location: 13q14.3.
Variant type: single nucleotide variant.
Coding change: c.1862T>C on transcript NM_000053.4 (MANE Select); coding-DNA position 1862, T replaced by C.
Protein change: p.Ile621Thr; replaces isoleucine 621 with threonine.
Molecular consequence: missense variant.
Genome position (GRCh38, 1-based): chr13:51,964,879, A>G on the plus strand (T>C on the coding strand, the complement: ATP7B is on the minus strand). VCF-style: chr13-51964879-A-G. GRCh37 (hg19) VCF-style: chr13-52539015-A-G.
Other names: c.1862T>C, p.Ile621Thr (NM_001005918.3, NM_001330578.2, NM_001330579.2); c.1529T>C, p.Ile510Thr (NM_001243182.2); short protein forms I510T, I621T.
Identifiers: ClinVar variation 967945 (VCV000967945.10), dbSNP rs377670877, ClinGen allele CA6989210.

ClinVar aggregate classification (germline): Uncertain significance. Review status: criteria provided, multiple submitters, no conflicts (2 of 4 stars). 7 submissions from 7 submitters: Uncertain significance (5). 2 of the submissions do not count toward it. Last evaluated 2025-06-05.

Conditions:
ATP7B-related disorder. Also called: ATP7B-related condition.
Wilson disease (WND). Also called: Wilson's disease. Identifiers: Orphanet 905, MedGen C0019202, MONDO:0010200, OMIM 277900. Disease mechanism: loss of function.

Allele frequency attached by ClinVar (database versions not stated): gnomAD exomes below 0.00001 and 0.00002; ExAC 0.00001; gnomAD 0.00001; TOPMed 0.00001.
gnomAD v4.1: 15 of 1,613,982 alleles (0.00093%); highest among the groups gnomAD compares: East Asian, 0.011%; no homozygotes.

Submissions (7):

Color Diagnostics, LLC DBA Color Health
Classification: Uncertain significance for Wilson disease. Last evaluated: 2025-06-05. Review status: criteria provided, single submitter. Criteria: ACMG Guidelines, 2015. Collection method: clinical testing. Allele origin: germline.
Comment: This missense variant replaces isoleucine with threonine at codon 621 of the ATP7B protein. Computational prediction suggests that this variant may not impact protein structure and function. To our knowledge, functional studies have not been reported for this variant. This variant has not been reported in individuals affected with ATP7B-related disorders in the literature. This variant has been identified in 6/280950 chromosomes in the general population by the Genome Aggregation Database (gnomAD). The available evidence is insufficient to determine the role of this variant in disease conclusively. Therefore, this variant is classified as a Variant of Uncertain Significance.

GeneDx
Classification: Uncertain significance. Last evaluated: 2025-03-07. Review status: criteria provided, single submitter. Criteria: GeneDx Variant Classification Process June 2021. Collection method: clinical testing. Allele origin: germline. Affected: yes.
Comment: In silico analysis supports that this missense variant has a deleterious effect on protein structure/function; Has not been previously published as pathogenic or benign to our knowledge

Fulgent Genetics
Classification: Uncertain significance for Wilson disease. Last evaluated: 2024-05-10. Review status: criteria provided, single submitter. Criteria: ACMG Guidelines, 2015. Collection method: clinical testing. Allele origin: germline.

Clinical Genomics Laboratory, Stanford Medicine
Classification: Uncertain significance for Wilson disease. Last evaluated: 2022-10-31. Review status: criteria provided, single submitter. Criteria: ACMG Guidelines, 2015. Collection method: clinical testing. Allele origin: germline. Observed: 1 variant allele, 1 heterozygote.

Labcorp Genetics (formerly Invitae), Labcorp
Classification: Uncertain significance for Wilson disease. Last evaluated: 2022-08-20. Review status: criteria provided, single submitter. Criteria: Invitae Variant Classification Sherloc (09022015). Collection method: clinical testing. Allele origin: germline.
Comment: This sequence change replaces isoleucine, which is neutral and non-polar, with threonine, which is neutral and polar, at codon 621 of the ATP7B protein (p.Ile621Thr). This variant is present in population databases (rs377670877, gnomAD 0.03%). This variant has not been reported in the literature in individuals affected with ATP7B-related conditions. ClinVar contains an entry for this variant (Variation ID: 967945). Advanced modeling of protein sequence and biophysical properties (such as structural, functional, and spatial information, amino acid conservation, physicochemical variation, residue mobility, and thermodynamic stability) performed at Invitae indicates that this missense variant is not expected to disrupt ATP7B protein function. In summary, the available evidence is currently insufficient to determine the role of this variant in disease. Therefore, it has been classified as a Variant of Uncertain Significance.

PreventionGenetics, part of Exact Sciences
Classification: Uncertain significance for ATP7B-related condition. Last evaluated: 2024-06-06. Review status: no assertion criteria provided. Collection method: clinical testing. Allele origin: germline. Not counted in ClinVar's aggregate classification.
Comment: The ATP7B c.1862T>C variant is predicted to result in the amino acid substitution p.Ile621Thr. To our knowledge, this variant has not been reported in the literature. This variant is reported in 0.031% of alleles in individuals of East Asian descent in gnomAD. At this time, the clinical significance of this variant is uncertain due to the absence of conclusive functional and genetic evidence.

Natera, Inc.
Classification: Uncertain significance for Wilson disease. Last evaluated: 2020-04-15. Review status: no assertion criteria provided. Collection method: clinical testing. Allele origin: germline. Not counted in ClinVar's aggregate classification.